The following is an entry in ClinVar:

NM_177438.3(DICER1):c.2863del (p.Thr955fs)

Gene: DICER1 (dicer 1, ribonuclease III; minus strand). Cytogenetic location: 14q32.13.
Variant type: Deletion.
Coding change: c.2863del on transcript NM_177438.3 (MANE Select); coding-DNA position 2863, one base deleted (A; older notation c.2863delA).
Protein change: p.Thr955fs; shifts the reading frame from threonine 955.
Molecular consequence: frameshift variant.
Genome position (GRCh38, 1-based): chr14:95,106,165, T deleted on the plus strand (A on the coding strand, the reverse complement: DICER1 is on the minus strand). VCF-style (leftmost placement, unchanged base first): chr14-95106164-GT-G. GRCh37 (hg19) VCF-style: chr14-95572501-GT-G.
Other names: c.2863delA (NM_177438.2); c.2863del, p.Thr955fs (NM_001195573.1, NM_001271282.3, NM_001291628.2 and 1 more transcripts); short protein forms T955fs.
Identifiers: ClinVar variation 254312 (VCV000254312.4), dbSNP rs886037693, ClinGen allele CA10586438.

ClinVar aggregate classification (germline): Pathogenic. Review status: criteria provided, multiple submitters, no conflicts (2 of 4 stars). 2 submissions from 2 submitters: Pathogenic (2). Last evaluated 2019-07-01.

Conditions:
DICER1-related tumor predisposition. Also called: DICER1 syndrome; DICER1-related pleuropulmonary blastoma cancer predisposition syndrome. Identifiers: Orphanet 284343, MedGen C3839822, MONDO:0100216.

Submissions (2):

Foulkes Cancer Genetics LDI, Lady Davis Institute for Medical Research
Classification: Pathogenic for Pleuropulmonary blastoma. Last evaluated: 2019-07-01. Review status: criteria provided, single submitter. Criteria: ACMG Guidelines, 2015. Collection method: curation. Allele origin: germline. Affected: yes. Observed: 2 variant alleles.
Comment: ACMG criteria met: PVS1, PM2, PP4

International Pleuropulmonary Blastoma Registry, Children's Hospitals and Clinics of Minnesota
Classification: Pathogenic for Pleuropulmonary blastoma. Last evaluated: 2014-11-10. Review status: criteria provided, single submitter. Criteria: Hill et al. (Science. 2009). Collection method: clinical testing. Allele origin: germline. Affected: yes. Study: PPB-DICER1 Genetic study.

Literature cited by the submitters: PubMed 25118636 (cited by Foulkes Cancer Genetics LDI, Lady Davis Institute for Medical Research); PubMed 26925222 (cited by Foulkes Cancer Genetics LDI, Lady Davis Institute for Medical Research and International Pleuropulmonary Blastoma Registry, Children's Hospitals and Clinics of Minnesota).